The following is an entry in ClinVar:

NM_000179.3(MSH6):c.3995T>C (p.Leu1332Ser)

Gene: MSH6 (mutS homolog 6; plus strand). Cytogenetic location: 2p16.3.
Variant type: single nucleotide variant.
Coding change: c.3995T>C on transcript NM_000179.3 (MANE Select); coding-DNA position 3995, T replaced by C.
Protein change: p.Leu1332Ser; replaces leucine 1332 with serine.
Molecular consequence: missense variant.
Genome position (GRCh38, 1-based): chr2:47,806,645, T>C. VCF-style: chr2-47806645-T-C. GRCh37 (hg19) VCF-style: chr2-48033784-T-C.
Other names: c.3605T>C, p.Leu1202Ser (NM_001281492.2); c.3089T>C, p.Leu1030Ser (NM_001281493.2, NM_001281494.2); short protein forms L1332S, L1030S, L1202S.
Identifiers: ClinVar variation 1504579 (VCV001504579.6), dbSNP rs2104568015, ClinGen allele CA346761597.

ClinVar aggregate classification (germline): Uncertain significance (1 of 4 stars; one submission).

Conditions:
Hereditary nonpolyposis colorectal neoplasms. Identifiers: MedGen C0009405, MeSH D003123.

Submission:

Labcorp Genetics (formerly Invitae), Labcorp
Classification: Uncertain significance for Hereditary nonpolyposis colorectal neoplasms. Last evaluated: 2021-11-19. Review status: criteria provided, single submitter. Criteria: Invitae Variant Classification Sherloc (09022015). Collection method: clinical testing. Allele origin: germline.
Comment: In summary, the available evidence is currently insufficient to determine the role of this variant in disease. Therefore, it has been classified as a Variant of Uncertain Significance. Advanced modeling of protein sequence and biophysical properties (such as structural, functional, and spatial information, amino acid conservation, physicochemical variation, residue mobility, and thermodynamic stability) performed at Invitae indicates that this missense variant is not expected to disrupt MSH6 protein function. This variant has not been reported in the literature in individuals affected with MSH6-related conditions. This variant is not present in population databases (gnomAD no frequency). This sequence change replaces leucine, which is neutral and non-polar, with serine, which is neutral and polar, at codon 1332 of the MSH6 protein (p.Leu1332Ser).